The following is an entry in ClinVar:

ClinVar aggregate classification (germline): Uncertain significance (1 of 4 stars; one submission).

Conditions:
DiGeorge syndrome. Also called: THIRD AND FOURTH PHARYNGEAL POUCH SYNDROME; Catch22. Identifiers: Orphanet 567, MedGen C0012236, MONDO:0008564, OMIM 188400.

Allele frequency attached by ClinVar (database versions not stated): gnomAD 0.00001; ExAC 0.00002; 1000 Genomes Project 30x 0.00031; 1000 Genomes Project 0.00040.
gnomAD v4.1: 5 of 1,614,184 alleles (0.00031%); highest among the groups gnomAD compares: Admixed American, 0.0033%; no homozygotes.

Submission:

Labcorp Genetics (formerly Invitae), Labcorp
Classification: Uncertain significance for DiGeorge syndrome. Last evaluated: 2025-04-11. Review status: criteria provided, single submitter. Criteria: Invitae Variant Classification Sherloc (09022015). Collection method: clinical testing. Allele origin: germline.
Comment: This sequence change replaces tyrosine, which is neutral and polar, with serine, which is neutral and polar, at codon 245 of the TBX1 protein (p.Tyr245Ser). This variant is present in population databases (rs533732094, gnomAD 0.006%). This variant has not been reported in the literature in individuals affected with TBX1-related conditions. ClinVar contains an entry for this variant (Variation ID: 2714781). Invitae Evidence Modeling of protein sequence and biophysical properties (such as structural, functional, and spatial information, amino acid conservation, physicochemical variation, residue mobility, and thermodynamic stability) indicates that this missense variant is not expected to disrupt TBX1 protein function with a negative predictive value of 80%. In summary, the available evidence is currently insufficient to determine the role of this variant in disease. Therefore, it has been classified as a Variant of Uncertain Significance.

NM_001379200.1(TBX1):c.761A>C (p.Tyr254Ser)

Gene: TBX1 (T-box transcription factor 1; plus strand). Cytogenetic location: 22q11.21.
Variant type: single nucleotide variant.
Coding change: c.761A>C on transcript NM_001379200.1 (MANE Select); coding-DNA position 761, A replaced by C.
Protein change: p.Tyr254Ser; replaces tyrosine 254 with serine.
Molecular consequence: missense variant.
Genome position (GRCh38, 1-based): chr22:19,765,007, A>C. VCF-style: chr22-19765007-A-C. GRCh37 (hg19) VCF-style: chr22-19752530-A-C.
Other names: c.734A>C, p.Tyr245Ser (NM_005992.1, NM_080646.2, NM_080647.1); short protein forms Y254S, Y245S.
Identifiers: ClinVar variation 2714781 (VCV002714781.3), dbSNP rs533732094, ClinGen allele CA10102553.